The following is an entry in ClinVar:

NM_001347886.2(DNAH3):c.9788C>T (p.Ser3263Leu)

Gene: DNAH3 (dynein axonemal heavy chain 3; minus strand). Cytogenetic location: 16p12.3.
Variant type: single nucleotide variant.
Coding change: c.9788C>T on transcript NM_001347886.2 (MANE Select); coding-DNA position 9788, C replaced by T.
Protein change: p.Ser3263Leu; replaces serine 3263 with leucine.
Molecular consequence: missense variant.
Genome position (GRCh38, 1-based): chr16:20,963,958, G>A on the plus strand (C>T on the coding strand, the complement: DNAH3 is on the minus strand). VCF-style: chr16-20963958-G-A. GRCh37 (hg19) VCF-style: chr16-20975280-G-A.
Other names: c.9926C>T, p.Ser3309Leu (NM_017539.2); short protein forms S3263L, S3309L.
Identifiers: ClinVar variation 3774960 (VCV003774960.2).
Genomic context (GRCh38, chr16:20,963,958, plus strand): 5'-TAGAGATTTATGAACCAAGTCAGGGAGTACTGGTACATCGGCTCGATGTTGGCCAGGTCC[G>A]AGATACAAAAGAAGATGGTGGCAGAATGCACAGCCACTGGCTTGTAGCCCATCCGAGTCT-3'
Protein context (NP_001334815.1, residues 3253-3273): VHSATIFFCI[Ser3263Leu]DLANIEPMYQ

ClinVar aggregate classification (germline): Uncertain significance (1 of 4 stars; one submission).

gnomAD v4.1: 137 of 1,614,022 alleles (0.0085%); highest among the groups gnomAD compares: Non-Finnish European, 0.011%; no homozygotes.

Submission:

GeneDx
Classification: Uncertain significance. Last evaluated: 2026-03-16. Review status: criteria provided, single submitter. Criteria: GeneDx Variant Classification Process June 2021. Collection method: clinical testing. Allele origin: germline.
Comment: Identified in a patient with intellectual disability and epilepsy (PMID: 30315573); In silico analysis supports that this missense variant has a deleterious effect on protein structure/function; This variant is associated with the following publications: (PMID: 30315573)